The following is an entry in ClinVar:

ClinVar aggregate classification (germline): Uncertain significance (1 of 4 stars; one submission).

Submission:

Ambry Genetics
Classification: Uncertain significance. Last evaluated: 2025-01-11. Review status: criteria provided, single submitter. Criteria: Ambry Variant Classification Scheme 2023. Collection method: clinical testing. Allele origin: germline.
Comment: The p.E698K variant (also known as c.2092G>A), located in coding exon 14 of the RINT1 gene, results from a G to A substitution at nucleotide position 2092. The glutamic acid at codon 698 is replaced by lysine, an amino acid with similar properties. This amino acid position is conserved. In addition, this alteration is predicted to be tolerated by in silico analysis. Since supporting evidence is limited at this time, the clinical significance of this alteration remains unclear.

NM_021930.6(RINT1):c.2092G>A (p.Glu698Lys)

Genes: EFCAB10 (EF-hand calcium binding domain 10; minus strand), RINT1 (RAD50 interactor 1; plus strand). Cytogenetic location: 7q22.3.
Variant type: single nucleotide variant.
Coding change: c.2092G>A on transcript NM_021930.6 (MANE Select); coding-DNA position 2092, G replaced by A.
Protein change: p.Glu698Lys; replaces glutamic acid 698 with lysine.
Molecular consequence: missense variant. On other transcripts: non-coding transcript variant (1), intron variant (2).
Genome position (GRCh38, 1-based): chr7:105,565,554, G>A. VCF-style: chr7-105565554-G-A. GRCh37 (hg19) VCF-style: chr7-105206001-G-A.
Other names: c.445C>T, p.His149Tyr (NM_001355530.2); c.1858G>A, p.Glu620Lys (NM_001346599.2); c.1069G>A, p.Glu357Lys (NM_001346600.2, NM_001346603.2); c.1168G>A, p.Glu390Lys (NM_001346601.2); c.360-107C>T (NM_001355531.2); c.384-107C>T (NM_001355526.2); short protein forms E698K, H149Y, E357K, E390K, E620K.
Identifiers: ClinVar variation 1785750 (VCV001785750.3), dbSNP rs2485186350, ClinGen allele CA368815089.